The following is an entry in ClinVar:

NM_000020.3(ACVRL1):c.822G>T (p.Trp274Cys)

Gene: ACVRL1 (activin A receptor like type 1; plus strand). Cytogenetic location: 12q13.13.
Variant type: single nucleotide variant.
Coding change: c.822G>T on transcript NM_000020.3 (MANE Select); coding-DNA position 822, G replaced by T.
Protein change: p.Trp274Cys; replaces tryptophan 274 with cysteine.
Molecular consequence: missense variant.
Genome position (GRCh38, 1-based): chr12:51,915,274, G>T. VCF-style: chr12-51915274-G-T. GRCh37 (hg19) VCF-style: chr12-52309058-G-T.
Other names: c.822G>T, p.Trp274Cys (NM_001077401.2); short protein forms W274C.
Identifiers: ClinVar variation 439372 (VCV000439372.15), dbSNP rs757645341, ClinGen allele CA384900451.
Genomic context (GRCh38, chr12:51,915,274, plus strand): 5'-TCTGCACACAGGCTTCATCGCCTCAGACATGACCTCCCGCAACTCGAGCACGCAGCTGTG[G>T]CTCATCACGCACTACCACGAGCACGGCTCCCTCTACGACTTTCTGCAGAGACAGACGCTG-3'
Protein context (NP_000011.2, residues 264-284): MTSRNSSTQL[Trp274Cys]LITHYHEHGS

ClinVar aggregate classification (germline): Uncertain significance. Review status: criteria provided, multiple submitters, no conflicts (2 of 4 stars). 2 submissions from 2 submitters: Uncertain significance (2). Last evaluated 2020-12-25.

Conditions:
Telangiectasia, hereditary hemorrhagic, type 2 (HHT2). Also called: Telangiectasia, hereditary hemorrhagic, type II; ACVRL1-Related Hereditary Hemorrhagic Telangiectasia. Identifiers: Orphanet 774, MedGen C1838163, MONDO:0010880, OMIM 600376. Disease mechanism: loss of function.

Submissions (2):

Labcorp Genetics (formerly Invitae), Labcorp
Classification: Uncertain significance for Telangiectasia, hereditary hemorrhagic, type 2. Last evaluated: 2020-12-25. Review status: criteria provided, single submitter. Criteria: Invitae Variant Classification Sherloc (09022015). Collection method: clinical testing. Allele origin: germline.
Comment: In summary, the available evidence is currently insufficient to determine the role of this variant in disease. Therefore, it has been classified as a Variant of Uncertain Significance. Advanced modeling of protein sequence and biophysical properties (such as structural, functional, and spatial information, amino acid conservation, physicochemical variation, residue mobility, and thermodynamic stability) performed at Invitae indicates that this missense variant is expected to disrupt ACVRL1 protein function. This variant has been observed in individual(s) with hereditary hemorrhagic telangiectasia (Invitae). ClinVar contains an entry for this variant (Variation ID: 439372). This variant is not present in population databases (ExAC no frequency). This sequence change replaces tryptophan with cysteine at codon 274 of the ACVRL1 protein (p.Trp274Cys). The tryptophan residue is highly conserved and there is a large physicochemical difference between tryptophan and cysteine.

ARUP Laboratories, Molecular Genetics and Genomics, ARUP Laboratories
Classification: Uncertain significance. Last evaluated: 2017-07-28. Review status: criteria provided, single submitter. Criteria: ARUP Molecular Germline Variant Investigation Process. Collection method: clinical testing. Allele origin: germline.